The following is an entry in ClinVar:

NM_000138.5(FBN1):c.6601A>C (p.Met2201Leu)

Gene: FBN1 (fibrillin 1; minus strand). Cytogenetic location: 15q21.1.
Variant type: single nucleotide variant.
Coding change: c.6601A>C on transcript NM_000138.5 (MANE Select); coding-DNA position 6601, A replaced by C.
Protein change: p.Met2201Leu; replaces methionine 2201 with leucine.
Molecular consequence: missense variant.
Genome position (GRCh38, 1-based): chr15:48,434,609, T>G on the plus strand (A>C on the coding strand, the complement: FBN1 is on the minus strand). VCF-style: chr15-48434609-T-G. GRCh37 (hg19) VCF-style: chr15-48726806-T-G.
Other names: short protein forms M2201L.
Identifiers: ClinVar variation 649846 (VCV000649846.10), dbSNP rs776823384, ClinGen allele CA269524557.

ClinVar aggregate classification (germline): Uncertain significance. Review status: criteria provided, multiple submitters, no conflicts (2 of 4 stars). 2 submissions from 2 submitters: Uncertain significance (2). Last evaluated 2021-11-08.

Conditions:
Weill-Marchesani syndrome 2, dominant. Also called: Weill-Marchesani Syndrome, Autosomal Dominant; FBN1-Related Weill-Marchesani Syndrome. Identifiers: Orphanet 2084, MedGen C1869115, MONDO:0012013, OMIM 608328.
Progeroid and marfanoid aspect-lipodystrophy syndrome. Also called: Marfan lipodystrophy syndrome; MARFANOID-PROGEROID SYNDROME; MARFAN-PROGEROID-LIPODYSTROPHY SYNDROME; MARFANOID-PROGEROID-LIPODYSTROPHY SYNDROME. Identifiers: Orphanet 300382, MedGen C4310796, MONDO:0014831, OMIM 616914.
Stiff skin syndrome (SSKS). Identifiers: Orphanet 2833, MedGen C1861456, MONDO:0008492, OMIM 184900.
Acromicric dysplasia (ACMICD). Also called: Acromicric skeletal dysplasia. Identifiers: Orphanet 969, MedGen C0265287, MONDO:0007055, OMIM 102370.
Geleophysic dysplasia 2 (GPHYSD2). Identifiers: Orphanet 2623, MedGen C3280054, MONDO:0013612, OMIM 614185.
Ectopia lentis 1, isolated, autosomal dominant (ECTOL1). Identifiers: Orphanet 1885, MedGen C3541518, MONDO:0007514, OMIM 129600.
Marfan syndrome (MFS). Also called: FBN1-Related Marfan Syndrome; Marfan syndrome type 1; Marfan's syndrome; Marfan syndrome, classic; MARFAN SYNDROME, TYPE I. Identifiers: Orphanet 284963, Orphanet 558, MedGen C0024796, MONDO:0007947, OMIM 154700.
MASS syndrome (OCTD). Also called: MASS PHENOTYPE; OVERLAP CONNECTIVE TISSUE DISEASE. Identifiers: MedGen C1858556, MONDO:0011431, OMIM 604308.
Familial thoracic aortic aneurysm and aortic dissection (TAAD). Also called: Thoracic aortic aneurysms and dissections. Identifiers: Orphanet 91387, MedGen C4707243, MONDO:0019625.

Allele frequency attached by ClinVar (database versions not stated): TOPMed 0.00001.

Submissions (2):

Fulgent Genetics
Classification: Uncertain significance for Acromicric dysplasia; Ectopia lentis 1, isolated, autosomal dominant; Marfan syndrome; Stiff skin syndrome; MASS syndrome; Weill-Marchesani syndrome 2, dominant; Geleophysic dysplasia 2; Progeroid and marfanoid aspect-lipodystrophy syndrome. Last evaluated: 2021-11-08. Review status: criteria provided, single submitter. Criteria: ACMG Guidelines, 2015. Collection method: clinical testing. Allele origin: unknown.

Labcorp Genetics (formerly Invitae), Labcorp
Classification: Uncertain significance for Marfan syndrome; Familial thoracic aortic aneurysm and aortic dissection. Last evaluated: 2018-08-12. Review status: criteria provided, single submitter. Criteria: Invitae Variant Classification Sherloc (09022015). Collection method: clinical testing. Allele origin: germline.
Comment: In summary, the available evidence is currently insufficient to determine the role of this variant in disease. Therefore, it has been classified as a Variant of Uncertain Significance. Algorithms developed to predict the effect of missense changes on protein structure and function (SIFT, PolyPhen-2, Align-GVGD) all suggest that this variant is likely to be tolerated, but these predictions have not been confirmed by published functional studies and their clinical significance is uncertain. This variant has not been reported in the literature in individuals with FBN1-related disease. This variant is not present in population databases (ExAC no frequency). This sequence change replaces methionine with leucine at codon 2201 of the FBN1 protein (p.Met2201Leu). The methionine residue is moderately conserved and there is a small physicochemical difference between methionine and leucine.